The following is an entry in ClinVar:

NM_000455.5(STK11):c.950A>C (p.Glu317Ala)

Gene: STK11 (serine/threonine kinase 11; plus strand). Cytogenetic location: 19p13.3.
Variant type: single nucleotide variant.
Coding change: c.950A>C on transcript NM_000455.5 (MANE Select); coding-DNA position 950, A replaced by C.
Protein change: p.Glu317Ala; replaces glutamic acid 317 with alanine.
Molecular consequence: missense variant.
Genome position (GRCh38, 1-based): chr19:1,223,014, A>C. VCF-style: chr19-1223014-A-C. GRCh37 (hg19) VCF-style: chr19-1223013-A-C.
Other names: p.E317A:GAA>GCA; short protein forms E317A.
Identifiers: ClinVar variation 182916 (VCV000182916.21), dbSNP rs730881988, ClinGen allele CA023375.

ClinVar aggregate classification (germline): Uncertain significance. Review status: criteria provided, multiple submitters, no conflicts (2 of 4 stars). 6 submissions from 6 submitters: Uncertain significance (6). Last evaluated 2024-09-23.

Conditions:
Hereditary cancer-predisposing syndrome. Also called: Tumor predisposition; Hereditary Cancer Syndrome; Hereditary neoplastic syndrome; Neoplastic Syndromes, Hereditary. Identifiers: Orphanet 140162, MedGen C0027672, MeSH D009386, MONDO:0015356.
Peutz-Jeghers syndrome (PJS). Also called: POLYPOSIS, HAMARTOMATOUS INTESTINAL; POLYPS-AND-SPOTS SYNDROME; Peutz-Jeghers polyposis; Periorificial lentiginosis syndrome. Identifiers: Orphanet 2869, MedGen C0031269, MeSH D010580, MONDO:0008280, OMIM 175200.

Allele frequency attached by ClinVar (database versions not stated): gnomAD exomes below 0.00001 and 0.00001; gnomAD 0.00001.
gnomAD v4.1: 4 of 1,577,492 alleles (0.00025%); highest among the groups gnomAD compares: Middle Eastern, 0.017%; no homozygotes.

Submissions (6):

Labcorp Genetics (formerly Invitae), Labcorp
Classification: Uncertain significance for Peutz-Jeghers syndrome. Last evaluated: 2024-09-23. Review status: criteria provided, single submitter. Criteria: Invitae Variant Classification Sherloc (09022015). Collection method: clinical testing. Allele origin: germline.
Comment: This sequence change replaces glutamic acid, which is acidic and polar, with alanine, which is neutral and non-polar, at codon 317 of the STK11 protein (p.Glu317Ala). The frequency data for this variant in the population databases is considered unreliable, as metrics indicate poor data quality at this position in the gnomAD database. This variant has not been reported in the literature in individuals affected with STK11-related conditions. ClinVar contains an entry for this variant (Variation ID: 182916). Invitae Evidence Modeling of protein sequence and biophysical properties (such as structural, functional, and spatial information, amino acid conservation, physicochemical variation, residue mobility, and thermodynamic stability) indicates that this missense variant is not expected to disrupt STK11 protein function with a negative predictive value of 95%. In summary, the available evidence is currently insufficient to determine the role of this variant in disease. Therefore, it has been classified as a Variant of Uncertain Significance.

All of Us Research Program, National Institutes of Health
Classification: Uncertain significance for Peutz-Jeghers syndrome. Last evaluated: 2024-05-14. Review status: criteria provided, single submitter. Criteria: ACMG Guidelines, 2015. Collection method: clinical testing. Allele origin: germline. Inheritance: Autosomal dominant inheritance. Observed: 1 variant allele, 1 heterozygote.
Comment: This missense variant replaces glutamic acid with alanine at codon 317 of the STK11 protein. Computational prediction suggests that this variant may not impact protein structure and function. To our knowledge, functional studies have not been reported for this variant. This variant has not been reported in individuals affected with STK11-related disorders in the literature. This variant has been identified in 1/198670 chromosomes in the general population by the Genome Aggregation Database (gnomAD). The available evidence is insufficient to determine the role of this variant in disease conclusively. Therefore, this variant is classified as a Variant of Uncertain Significance.

This study involves interpretation of variants in research participants for the purpose of population health screening. Participant phenotype was not available at the time of variant classification. Additional details can be found in publication PMID: 35346344, PMCID: PMC8962531

Color Diagnostics, LLC DBA Color Health
Classification: Uncertain significance for Hereditary cancer-predisposing syndrome. Last evaluated: 2024-04-23. Review status: criteria provided, single submitter. Criteria: ACMG Guidelines, 2015. Collection method: clinical testing. Allele origin: germline.
Comment: This missense variant replaces glutamic acid with alanine at codon 317 of the STK11 protein. Computational prediction suggests that this variant may not impact protein structure and function. To our knowledge, functional studies have not been reported for this variant. This variant has not been reported in individuals affected with STK11-related disorders in the literature. This variant has been identified in 1/198670 chromosomes in the general population by the Genome Aggregation Database (gnomAD). The available evidence is insufficient to determine the role of this variant in disease conclusively. Therefore, this variant is classified as a Variant of Uncertain Significance.

Ambry Genetics
Classification: Uncertain significance for Hereditary cancer-predisposing syndrome. Last evaluated: 2023-10-17. Review status: criteria provided, single submitter. Criteria: Ambry Variant Classification Scheme 2023. Collection method: clinical testing. Allele origin: germline.
Comment: The p.E317A variant (also known as c.950A>C), located in coding exon 8 of the STK11 gene, results from an A to C substitution at nucleotide position 950. The glutamic acid at codon 317 is replaced by alanine, an amino acid with dissimilar properties. This amino acid position is well conserved in available vertebrate species. In addition, the in silico prediction for this alteration is inconclusive. Since supporting evidence is limited at this time, the clinical significance of this alteration remains unclear.

Genome-Nilou Lab
Classification: Uncertain significance for Peutz-Jeghers syndrome. Last evaluated: 2021-07-15. Review status: criteria provided, single submitter. Criteria: ACMG Guidelines, 2015. Collection method: clinical testing. Allele origin: germline. Affected: no.

GeneDx
Classification: Uncertain significance. Last evaluated: 2015-03-13. Review status: criteria provided, single submitter. Criteria: GeneDx Variant Classification (06012015). Collection method: clinical testing. Allele origin: germline. Affected: yes.
Comment: This variant is denoted STK11 c.950A>C at the cDNA level, p.Glu317Ala (E317A) at the protein level, and results in the change of a Glutamic Acid to an Alanine (GAA>GCA). This variant has not, to our knowledge, been published in the literature as pathogenic or benign. STK11 Glu317Ala was not observed in approximately 6,500 individuals of European and African American ancestry in the NHLBI Exome Sequencing Project, indicating it is not a common benign variant in these populations. Since Glutamic Acid and Alanine differ in polarity, charge, size or other properties, this is considered a non-conservative amino acid substitution. STK11 Glu317Ala occurs at a position that is conserved across species and is not located in a known functional domain (UniProt). In silico analyses are inconsistent regarding the effect this variant may have on protein structure and function. Based on currently available information, it is unclear whether STK11 Glu317Ala is pathogenic or benign. We consider it to be a variant of uncertain significance.